The following is an entry in ClinVar:

NM_052989.3(IFT122):c.3180C>A (p.Cys1060Ter)

Gene: IFT122 (intraflagellar transport 122; plus strand). Cytogenetic location: 3q22.1.
Variant type: single nucleotide variant.
Coding change: c.3180C>A on transcript NM_052989.3 (MANE Select); coding-DNA position 3180, C replaced by A.
Protein change: p.Cys1060Ter; replaces cysteine 1060 with a stop codon.
Molecular consequence: nonsense.
Genome position (GRCh38, 1-based): chr3:129,515,514, C>A. VCF-style: chr3-129515514-C-A. GRCh37 (hg19) VCF-style: chr3-129234357-C-A.
Other names: c.2553C>A, p.Cys851Ter (NM_001280546.2); c.3183C>A, p.Cys1061Ter (NM_001410808.1); c.3126C>A, p.Cys1042Ter (NM_001410809.1); c.3006C>A, p.Cys1002Ter (NM_001410810.1); c.2952C>A, p.Cys984Ter (NM_001410811.1); c.2949C>A, p.Cys983Ter (NM_001410813.1); c.2847C>A, p.Cys949Ter (NM_001410815.1); c.2796C>A, p.Cys932Ter (NM_001410817.1); and 5 more; short protein forms C949*, C950*, C983*, C1001*, C1002*, C1042*, C1053*, C1111*.
Identifiers: ClinVar variation 2009853 (VCV002009853.4), dbSNP rs764222986, ClinGen allele CA354487784.

ClinVar aggregate classification (germline): Pathogenic (1 of 4 stars; one submission).

Conditions:
Cranioectodermal dysplasia 1 (CED1). Also called: LEVIN SYNDROME I. Identifiers: Orphanet 1515, MedGen C0432235, MONDO:0021093, OMIM 218330.

Submission:

Labcorp Genetics (formerly Invitae), Labcorp
Classification: Pathogenic for Cranioectodermal dysplasia 1. Last evaluated: 2022-06-23. Review status: criteria provided, single submitter. Criteria: Invitae Variant Classification Sherloc (09022015). Collection method: clinical testing. Allele origin: germline.
Comment: This sequence change creates a premature translational stop signal (p.Cys1111*) in the IFT122 gene. It is expected to result in an absent or disrupted protein product. Loss-of-function variants in IFT122 are known to be pathogenic (PMID: 20493458, 23826986, 26792575). This variant is not present in population databases (gnomAD no frequency). This variant has not been reported in the literature in individuals affected with IFT122-related conditions. For these reasons, this variant has been classified as Pathogenic.

Literature cited by the submitters: PubMed 20493458; PubMed 23826986; PubMed 26792575.